The following is an entry in ClinVar:

NM_013432.5(TONSL):c.193G>A (p.Gly65Ser)

Gene: TONSL (tonsoku like, DNA repair protein; minus strand). Cytogenetic location: 8q24.3.
Variant type: single nucleotide variant.
Coding change: c.193G>A on transcript NM_013432.5 (MANE Select); coding-DNA position 193, G replaced by A.
Protein change: p.Gly65Ser; replaces glycine 65 with serine.
Molecular consequence: missense variant.
Genome position (GRCh38, 1-based): chr8:144,443,953, C>T on the plus strand (G>A on the coding strand, the complement: TONSL is on the minus strand). VCF-style: chr8-144443953-C-T. GRCh37 (hg19) VCF-style: chr8-145669336-C-T.
Other names: short protein forms G65S.
Identifiers: ClinVar variation 2130585 (VCV002130585.4), dbSNP rs1564735213, ClinGen allele CA372679487.

ClinVar aggregate classification (germline): Uncertain significance (1 of 4 stars; one submission).

Allele frequency attached by ClinVar (database versions not stated): gnomAD exomes below 0.00001.

Submission:

Labcorp Genetics (formerly Invitae), Labcorp
Classification: Uncertain significance. Last evaluated: 2022-10-17. Review status: criteria provided, single submitter. Criteria: Invitae Variant Classification Sherloc (09022015). Collection method: clinical testing. Allele origin: germline.
Comment: Advanced modeling of protein sequence and biophysical properties (such as structural, functional, and spatial information, amino acid conservation, physicochemical variation, residue mobility, and thermodynamic stability) performed at Invitae indicates that this missense variant is expected to disrupt TONSL protein function. In summary, the available evidence is currently insufficient to determine the role of this variant in disease. Therefore, it has been classified as a Variant of Uncertain Significance. This variant has not been reported in the literature in individuals affected with TONSL-related conditions. The frequency data for this variant in the population databases is considered unreliable, as metrics indicate poor data quality at this position in the gnomAD database. This sequence change replaces glycine, which is neutral and non-polar, with serine, which is neutral and polar, at codon 65 of the TONSL protein (p.Gly65Ser).